The following is an entry in ClinVar:

ClinVar aggregate classification (germline): Uncertain significance (1 of 4 stars; one submission).

Conditions:
Juvenile polyposis syndrome (JPS). Identifiers: Orphanet 2929, MedGen C0345893, MONDO:0017380, OMIM 174900.

Submission:

Labcorp Genetics (formerly Invitae), Labcorp
Classification: Uncertain significance for Juvenile polyposis syndrome. Last evaluated: 2025-11-08. Review status: criteria provided, single submitter. Criteria: Invitae Variant Classification Sherloc (09022015). Collection method: clinical testing. Allele origin: germline.
Comment: This sequence change replaces aspartic acid, which is acidic and polar, with glutamic acid, which is acidic and polar, at codon 355 of the SMAD4 protein (p.Asp355Glu). This variant is not present in population databases (gnomAD no frequency). This variant has not been reported in the literature in individuals affected with SMAD4-related conditions. Invitae Evidence Modeling of protein sequence and biophysical properties (such as structural, functional, and spatial information, amino acid conservation, physicochemical variation, residue mobility, and thermodynamic stability) has been performed for this missense variant. However, the output from this modeling did not meet the statistical confidence thresholds required to predict the impact of this variant on SMAD4 protein function. In summary, the available evidence is currently insufficient to determine the role of this variant in disease. Therefore, it has been classified as a Variant of Uncertain Significance.

NM_005359.6(SMAD4):c.1065C>G (p.Asp355Glu)

Gene: SMAD4 (SMAD family member 4; plus strand). Cytogenetic location: 18q21.2.
Variant type: single nucleotide variant.
Coding change: c.1065C>G on transcript NM_005359.6 (MANE Select); coding-DNA position 1065, C replaced by G.
Protein change: p.Asp355Glu; replaces aspartic acid 355 with glutamic acid.
Molecular consequence: missense variant. On other transcripts: non-coding transcript variant (2).
Genome position (GRCh38, 1-based): chr18:51,065,532, C>G. VCF-style: chr18-51065532-C-G. GRCh37 (hg19) VCF-style: chr18-48591902-C-G.
Other names: c.1065C>G, p.Asp355Glu (NM_001407041.1, NM_001407042.1, NM_001407043.1); short protein forms D355E.
Identifiers: ClinVar variation 4803027 (VCV004803027.1).
Genomic context (GRCh38, chr18:51,065,532, plus strand): 5'-AGGAGAGACATTTAAGGTTCCTTCAAGCTGCCCTATTGTTACTGTTGATGGATACGTGGA[C>G]CCTTCTGGAGGAGATCGCTTTTGTTTGGGTCAACTCTCCAATGTCCACAGGACAGAAGCC-3'
Protein context (NP_005350.1, residues 345-365): CPIVTVDGYV[Asp355Glu]PSGGDRFCLG